The following is an entry in ClinVar:

NM_005422.4(TECTA):c.4116C>T (p.Cys1372=)

Genes: TBCEL-TECTA (TBCEL-TECTA readthrough; plus strand), TECTA (tectorin alpha; plus strand). Cytogenetic location: 11q23.3.
Variant type: single nucleotide variant.
Coding change: c.4116C>T on transcript NM_005422.4 (MANE Select); coding-DNA position 4116, C replaced by T.
Protein change: p.Cys1372=; no amino-acid change (cysteine 1372 retained).
Molecular consequence: synonymous variant.
Genome position (GRCh38, 1-based): chr11:121,152,891, C>T. VCF-style: chr11-121152891-C-T. GRCh37 (hg19) VCF-style: chr11-121023600-C-T.
Other names: c.5073C>T, p.Cys1691= (NM_001378761.1).
Identifiers: ClinVar variation 3027353 (VCV003027353.22), dbSNP rs538112464, ClinGen allele CA6327370.
Genomic context (GRCh38, chr11:121,152,891, plus strand): 5'-CCTCGGTGCCTTGTGATCGTGCGAGTCTTGACTTGTCTCTCTTGTTCCAGCTGTCACCTG[C>T]CCTCCAAACAGCCATTACGAGAGCTGCGTGAGTGTCTGCCAGCCCCGCTGCGCCGCCATC-3'
Protein context (NP_005413.2, residues 1362-1382): WRNYTSCTVT[Cys1372=]PPNSHYESCV

ClinVar aggregate classification (germline): Uncertain significance (1 of 4 stars; one submission).

Allele frequency attached by ClinVar (database versions not stated): ExAC 0.00001.
gnomAD v4.1: 3 of 1,600,522 alleles (0.00019%); highest among the groups gnomAD compares: Non-Finnish European, 0.00026%; no homozygotes.

Submission:

CeGaT Center for Human Genetics Tuebingen
Classification: Uncertain significance. Last evaluated: 2024-02-01. Review status: criteria provided, single submitter. Criteria: CeGaT Center For Human Genetics Tuebingen Variant Classification Criteria Version 2. Collection method: clinical testing. Allele origin: germline. Affected: yes. Observed: 1 variant allele.
Comment: TECTA: PM2:Supporting, BP4